The following is an entry in ClinVar:

ClinVar aggregate classification (germline): Uncertain significance (1 of 4 stars; one submission).

Conditions:
KBG syndrome (KBGS). Also called: ANKRD11-Related KBG Syndrome. Identifiers: Orphanet 2332, MedGen C0220687, MONDO:0007846, OMIM 148050.

Allele frequency attached by ClinVar (database versions not stated): gnomAD exomes 0.00001.
gnomAD v4.1: 13 of 1,614,050 alleles (0.00081%); highest among the groups gnomAD compares: Non-Finnish European, 0.001%; 1 homozygote.

Submission:

Labcorp Genetics (formerly Invitae), Labcorp
Classification: Uncertain significance for KBG syndrome. Last evaluated: 2023-06-04. Review status: criteria provided, single submitter. Criteria: Invitae Variant Classification Sherloc (09022015). Collection method: clinical testing. Allele origin: germline.
Comment: This sequence change replaces arginine, which is basic and polar, with methionine, which is neutral and non-polar, at codon 1475 of the ANKRD11 protein (p.Arg1475Met). This variant is not present in population databases (gnomAD no frequency). This variant has not been reported in the literature in individuals affected with ANKRD11-related conditions. Advanced modeling of protein sequence and biophysical properties (such as structural, functional, and spatial information, amino acid conservation, physicochemical variation, residue mobility, and thermodynamic stability) performed at Invitae indicates that this missense variant is not expected to disrupt ANKRD11 protein function. In summary, the available evidence is currently insufficient to determine the role of this variant in disease. Therefore, it has been classified as a Variant of Uncertain Significance.

NM_013275.6(ANKRD11):c.4424G>T (p.Arg1475Met)

Gene: ANKRD11 (ankyrin repeat domain 11; minus strand). Cytogenetic location: 16q24.3.
Variant type: single nucleotide variant.
Coding change: c.4424G>T on transcript NM_013275.6 (MANE Select); coding-DNA position 4424, G replaced by T.
Protein change: p.Arg1475Met; replaces arginine 1475 with methionine.
Molecular consequence: missense variant.
Genome position (GRCh38, 1-based): chr16:89,282,118, C>A on the plus strand (G>T on the coding strand, the complement: ANKRD11 is on the minus strand). VCF-style: chr16-89282118-C-A. GRCh37 (hg19) VCF-style: chr16-89348526-C-A.
Other names: c.4424G>T, p.Arg1475Met (NM_001256182.2, NM_001256183.2); short protein forms R1475M.
Identifiers: ClinVar variation 2857141 (VCV002857141.3), dbSNP rs2544232837, ClinGen allele CA397157593.